The following is an entry in ClinVar:

NM_024675.4(PALB2):c.199C>T (p.Leu67=)

Gene: PALB2 (partner and localizer of BRCA2; minus strand). Cytogenetic location: 16p12.2.
Variant type: single nucleotide variant.
Coding change: c.199C>T on transcript NM_024675.4 (MANE Select); coding-DNA position 199, C replaced by T.
Protein change: p.Leu67=; no amino-acid change (leucine 67 retained).
Molecular consequence: synonymous variant. On other transcripts: 5 prime UTR variant (8), intron variant (3).
Genome position (GRCh38, 1-based): chr16:23,637,862, G>A on the plus strand (C>T on the coding strand, the complement: PALB2 is on the minus strand). VCF-style: chr16-23637862-G-A. GRCh37 (hg19) VCF-style: chr16-23649183-G-A.
Other names: c.139C>T, p.Leu47= (NM_001407296.1); c.199C>T, p.Leu67= (NM_001407297.1, NM_001407298.1, NM_001407299.1 and 3 more transcripts); c.-687C>T (NM_001407304.1, NM_001407305.1, NM_001407306.1 and 5 more transcripts); c.48+3248C>T (NM_001407314.1); c.-105+3248C>T (NM_001407313.1, NM_001407312.1).
Identifiers: ClinVar variation 3903943 (VCV003903943.1).

ClinVar aggregate classification (germline): Benign (1 of 4 stars; one submission).

Conditions:
Familial cancer of breast. Also called: Hereditary breast cancer; hereditary breast carcinoma; BREAST CANCER, FAMILIAL. Identifiers: Orphanet 227535, MedGen C0346153, MONDO:0016419, OMIM 114480. Disease mechanism: loss of function.

Submission:

Myriad Genetics, Inc.
Classification: Benign for Familial cancer of breast. Last evaluated: 2025-01-09. Review status: criteria provided, single submitter. Criteria: Myriad Autosomal Dominant, Autosomal Recessive and X-Linked Classification Criteria (2023). Collection method: clinical testing. Allele origin: unknown.
Comment: This variant is considered benign. This variant is a silent/synonymous amino acid change and it is not expected to impact splicing.